The following is an entry in ClinVar:

ClinVar aggregate classification (germline): Likely pathogenic (3 of 4 stars; one submission).

Conditions:
Phenylketonuria (PKU). Also called: Phenylketonurias; FOLLING DISEASE; Phenylketonuria (PKU); OLIGOPHRENIA PHENYLPYRUVICA. Identifiers: Orphanet 716, MedGen C0031485, MONDO:0009861, OMIM 261600. Disease mechanism: loss of function.

Allele frequency attached by ClinVar (database versions not stated): gnomAD 0.00001; TOPMed below 0.00001.
gnomAD v4.1: 1 of 1,613,590 alleles (0.000062%); highest among the groups gnomAD compares: Non-Finnish European, 0.000085%; no homozygotes.

Submission:

ClinGen PAH Variant Curation Expert Panel
Classification: Likely pathogenic for Phenylketonuria. Last evaluated: 2022-03-13. Review status: reviewed by expert panel. Criteria: ClinGen PAH ACMG Specifications v1. Collection method: curation. Allele origin: germline. Inheritance: Autosomal recessive inheritance.
Comment: The c.998T>C (p.Leu333Pro) variant in PAH has been reported in individuals with PAH deficiency, detected with p.Pro281Leu (Likely pathogenic by PAH VCEP variation ID: 589) with exclusion of BH4 deficiency (PMID: 19394257). In-vitro functional studies are unavailable. This variant is absent from population databases. Multiple lines of computational evidence support a deleterious effect. A different pathogenic missense change at the same codon, p.Leu333Phe is pathogenic (by PAH VCEP). In summary, this variant meets criteria to be classified as Likely Pathogenic for PAH. PAH-specific ACMG/AMP criteria applied: PP4_moderate, PM2, PM5, PM3_supporting.

NM_000277.3(PAH):c.998T>C (p.Leu333Pro)

Gene: PAH (phenylalanine hydroxylase; minus strand). Cytogenetic location: 12q23.2.
Variant type: single nucleotide variant.
Coding change: c.998T>C on transcript NM_000277.3 (MANE Select); coding-DNA position 998, T replaced by C.
Protein change: p.Leu333Pro; replaces leucine 333 with proline.
Molecular consequence: missense variant.
Genome position (GRCh38, 1-based): chr12:102,844,403, A>G on the plus strand (T>C on the coding strand, the complement: PAH is on the minus strand). VCF-style: chr12-102844403-A-G. GRCh37 (hg19) VCF-style: chr12-103238181-A-G.
Other names: NM_000277.3:c.998T>C; c.998T>C, p.Leu333Pro (NM_001354304.2); short protein forms L333P.
Identifiers: ClinVar variation 1693239 (VCV001693239.1), dbSNP rs1344368175, ClinGen allele CA16020917.